The following is an entry in ClinVar:

NM_018480.7(TMEM126B):c.58G>C (p.Val20Leu)

Genes: TMEM126B (transmembrane protein 126B; plus strand), LOC130006548 (ATAC-STARR-seq lymphoblastoid active region 5364; plus strand). Cytogenetic location: 11q14.1.
Variant type: single nucleotide variant.
Coding change: c.58G>C on transcript NM_018480.7 (MANE Select); coding-DNA position 58, G replaced by C.
Protein change: p.Val20Leu; replaces valine 20 with leucine.
Molecular consequence: missense variant. On other transcripts: 5 prime UTR variant (5), non-coding transcript variant (2), synonymous variant (1).
Genome position (GRCh38, 1-based): chr11:85,628,665, G>C. VCF-style: chr11-85628665-G-C. GRCh37 (hg19) VCF-style: chr11-85339709-G-C.
Other names: c.-134G>C (NM_001193537.3, NM_001350395.2); c.-205G>C (NM_001193538.3, NM_001350396.2); c.-105G>C (NM_001256546.2); c.42G>C, p.Arg14= (NM_001256547.2); c.58G>C, p.Val20Leu (NM_001350393.1, NM_001350394.2); c.58G>C (NM_018480.4); short protein forms V20L.
Identifiers: ClinVar variation 1995686 (VCV001995686.5), dbSNP rs2082143271, ClinGen allele CA381988159.
Genomic context (GRCh38, chr11:85,628,665, plus strand): 5'-AAAATGGTGGTGTTCGGGTATGAGGCTGGGACTAAGCCAAGGGATTCAGGTGTGGTGCCG[G>C]TGGGAACTGAGGAAGCGCCCAAGGTAGGCGGAAATCCGAAGTGGTATGGGGGGTGATTTC-3'
Protein context (NP_060950.3, residues 10-30): TKPRDSGVVP[Val20Leu]GTEEAPKVFK

ClinVar aggregate classification (germline): Uncertain significance. Review status: criteria provided, multiple submitters, no conflicts (2 of 4 stars). 2 submissions from 2 submitters: Uncertain significance (2). Last evaluated 2025-01-30.

Allele frequency attached by ClinVar (database versions not stated): TOPMed below 0.00001.

Submissions (2):

GeneDx
Classification: Uncertain significance. Last evaluated: 2025-01-30. Review status: criteria provided, single submitter. Criteria: GeneDx Variant Classification Process June 2021. Collection method: clinical testing. Allele origin: germline. Affected: yes.
Comment: Not observed at significant frequency in large population cohorts (gnomAD); In silico analysis indicates that this missense variant does not alter protein structure/function; Has not been previously published as pathogenic or benign to our knowledge

Labcorp Genetics (formerly Invitae), Labcorp
Classification: Uncertain significance. Last evaluated: 2022-05-25. Review status: criteria provided, single submitter. Criteria: Invitae Variant Classification Sherloc (09022015). Collection method: clinical testing. Allele origin: germline.
Comment: In summary, the available evidence is currently insufficient to determine the role of this variant in disease. Therefore, it has been classified as a Variant of Uncertain Significance. Algorithms developed to predict the effect of missense changes on protein structure and function output the following: SIFT: "Tolerated"; PolyPhen-2: "Benign"; Align-GVGD: "Class C0". The leucine amino acid residue is found in multiple mammalian species, which suggests that this missense change does not adversely affect protein function. This variant has not been reported in the literature in individuals affected with TMEM126B-related conditions. This variant is not present in population databases (gnomAD no frequency). This sequence change replaces valine, which is neutral and non-polar, with leucine, which is neutral and non-polar, at codon 20 of the TMEM126B protein (p.Val20Leu).